The following is an entry in ClinVar:

ClinVar aggregate classification (germline): Likely benign (0 of 4 stars; one submission).

Conditions:
ABCA13-related disorder. Also called: ABCA13-related condition.

Allele frequency attached by ClinVar (database versions not stated): ESP Exome Variant Server 0.00041; TOPMed 0.00107; gnomAD exomes 0.00112; gnomAD 0.00152; ExAC 0.00253; 1000 Genomes Project 30x 0.00437; 1000 Genomes Project 0.00579.
gnomAD v4.1: 1,942 of 1,592,738 alleles (0.12%); highest among the groups gnomAD compares: East Asian, 2.1%; 19 homozygotes.

Submissions (8):

PreventionGenetics, part of Exact Sciences
Classification: Likely benign for ABCA13-related condition. Last evaluated: 2021-05-04. Review status: no assertion criteria provided. Collection method: clinical testing. Allele origin: germline.
Comment: This variant is classified as likely benign based on ACMG/AMP sequence variant interpretation guidelines (Richards et al. 2015 PMID: 25741868, with internal and published modifications).

Dr. Peter K. Rogan Lab, Western University
No classification provided (evidence only). Condition: Malignant tumor of urinary bladder. Review status: no classification provided. Collection method: in vitro. Allele origin: not applicable. Functional consequence: retained intron. Not counted in ClinVar's aggregate classification.

Dr. Peter K. Rogan Lab, Western University
No classification provided (evidence only). Condition: Clear cell carcinoma of kidney. Review status: no classification provided. Collection method: in vitro. Allele origin: not applicable. Functional consequence: retained intron. Not counted in ClinVar's aggregate classification.

Dr. Peter K. Rogan Lab, Western University
No classification provided (evidence only). Condition: Hepatocellular carcinoma. Review status: no classification provided. Collection method: in vitro. Allele origin: not applicable. Functional consequence: retained intron. Not counted in ClinVar's aggregate classification.

Dr. Peter K. Rogan Lab, Western University
No classification provided (evidence only). Condition: Nonpapillary renal cell carcinoma. Review status: no classification provided. Collection method: in vitro. Allele origin: not applicable. Functional consequence: retained intron. Not counted in ClinVar's aggregate classification.

Dr. Peter K. Rogan Lab, Western University
No classification provided (evidence only). Condition: Malignant tumor of esophagus. Review status: no classification provided. Collection method: in vitro. Allele origin: not applicable. Functional consequence: retained intron. Not counted in ClinVar's aggregate classification.

Dr. Peter K. Rogan Lab, Western University
No classification provided (evidence only). Condition: Familial pancreatic carcinoma. Review status: no classification provided. Collection method: in vitro. Allele origin: not applicable. Functional consequence: retained intron. Not counted in ClinVar's aggregate classification.

Dr. Peter K. Rogan Lab, Western University
No classification provided (evidence only). Condition: Hepatocellular carcinoma. Review status: no classification provided. Collection method: in vitro. Allele origin: not applicable. Functional consequence: retained intron. Not counted in ClinVar's aggregate classification.

NM_152701.5(ABCA13):c.12459+1G>T

Gene: ABCA13 (ATP binding cassette subfamily A member 13; plus strand). Cytogenetic location: 7p12.3.
Variant type: single nucleotide variant.
Coding change: c.12459+1G>T on transcript NM_152701.5 (MANE Select); the canonical splice donor site of the intron after coding-DNA position 12459, G replaced by T.
Molecular consequence: splice donor variant.
Genome position (GRCh38, 1-based): chr7:48,412,584, G>T. VCF-style: chr7-48412584-G-T. GRCh37 (hg19) VCF-style: chr7-48452181-G-T.
Other names: NC_000007.13:g.48452181G>T.
Identifiers: ClinVar variation 3051732 (VCV003051732.3), dbSNP rs141576983, ClinGen allele CA4258986.